The following is an entry in ClinVar:

NM_001037.5(SCN1B):c.-6G>T

Gene: SCN1B (sodium voltage-gated channel beta subunit 1; plus strand). Cytogenetic location: 19q13.11.
Variant type: single nucleotide variant.
Coding change: c.-6G>T on transcript NM_001037.5 (MANE Select); 6 bases upstream of the start codon, G replaced by T.
Molecular consequence: 5 prime UTR variant.
Genome position (GRCh38, 1-based): chr19:35,030,815, G>T. VCF-style: chr19-35030815-G-T. GRCh37 (hg19) VCF-style: chr19-35521719-G-T.
Other names: c.-6G>T (NM_199037.5).
Identifiers: ClinVar variation 4874849 (VCV004874849.2).
Genomic context (GRCh38, chr19:35,030,815, plus strand): 5'-GCCGCCTCTCGCCCCGCTATTAATACCGGCGGCCCGGGAGGGGGGCGCAGCACGCGCCGC[G>T]CAGCCATGGGGAGGCTGCTGGCCTTAGTGGTCGGCGCGGCACTGGGTGAGTGCGCGGGGG-3'

ClinVar aggregate classification (germline): Uncertain significance (1 of 4 stars; one submission).

Submission:

CeGaT Center for Human Genetics Tuebingen
Classification: Uncertain significance. Last evaluated: 2026-05-01. Review status: criteria provided, single submitter. Criteria: CeGaT Center For Human Genetics Tuebingen Variant Classification Criteria Version 2. Collection method: clinical testing. Allele origin: germline. Affected: yes. Observed: 1 variant allele.
Comment: SCN1B: PM2, BP4